The following is an entry in ClinVar:

ClinVar aggregate classification (germline): Uncertain significance (1 of 4 stars; one submission).

Allele frequency attached by ClinVar (database versions not stated): ExAC 0.00014; 1000 Genomes Project 30x 0.00078; ESP Exome Variant Server 0.00033; TOPMed 0.00046; gnomAD exomes 0.00005; gnomAD 0.00050; 1000 Genomes Project 0.00080.
gnomAD v4.1: 141 of 1,613,918 alleles (0.0087%); highest among the groups gnomAD compares: African/African-American, 0.18%; no homozygotes.

Submission:

Labcorp Genetics (formerly Invitae), Labcorp
Classification: Uncertain significance. Last evaluated: 2025-07-24. Review status: criteria provided, single submitter. Criteria: Invitae Variant Classification Sherloc (09022015). Collection method: clinical testing. Allele origin: germline.
Comment: This sequence change replaces threonine, which is neutral and polar, with alanine, which is neutral and non-polar, at codon 294 of the FMN1 protein (p.Thr294Ala). This variant is present in population databases (rs200146573, gnomAD 0.2%), and has an allele count higher than expected for a pathogenic variant. This variant has not been reported in the literature in individuals affected with FMN1-related conditions. ClinVar contains an entry for this variant (Variation ID: 2888200). Experimental studies and prediction algorithms are not available or were not evaluated, and the functional significance of this variant is currently unknown. In summary, the available evidence is currently insufficient to determine the role of this variant in disease. Therefore, it has been classified as a Variant of Uncertain Significance.

NM_001277313.2(FMN1):c.2044-1931A>G

Gene: FMN1 (formin 1; minus strand). Cytogenetic location: 15q13.3.
Variant type: single nucleotide variant.
Coding change: c.2044-1931A>G on transcript NM_001277313.2 (MANE Select); 1931 bases into the intron before coding-DNA position 2044, A replaced by G.
Molecular consequence: intron variant. On other transcripts: missense variant (1).
Genome position (GRCh38, 1-based): chr15:33,067,005, T>C on the plus strand (A>G on the coding strand, the complement: FMN1 is on the minus strand). VCF-style: chr15-33067005-T-C. GRCh37 (hg19) VCF-style: chr15-33359206-T-C.
Other names: c.880A>G, p.Thr294Ala (NM_001103184.4); short protein forms T294A.
Identifiers: ClinVar variation 2888200 (VCV002888200.3), dbSNP rs200146573, ClinGen allele CA7457249.